The following is an entry in ClinVar:

ClinVar aggregate classification (germline): Uncertain significance (1 of 4 stars; one submission).

Submission:

CeGaT Center for Human Genetics Tuebingen
Classification: Uncertain significance. Last evaluated: 2026-06-01. Review status: criteria provided, single submitter. Criteria: CeGaT Center For Human Genetics Tuebingen Variant Classification Criteria Version 2. Collection method: clinical testing. Allele origin: germline. Affected: yes. Observed: 1 variant allele.
Comment: IGSF10: PM2, PS2:Supporting

NM_178822.5(IGSF10):c.7349T>C (p.Leu2450Pro)

Gene: IGSF10 (immunoglobulin superfamily member 10; minus strand). Cytogenetic location: 3q25.1.
Variant type: single nucleotide variant.
Coding change: c.7349T>C on transcript NM_178822.5 (MANE Select); coding-DNA position 7349, T replaced by C.
Protein change: p.Leu2450Pro; replaces leucine 2450 with proline.
Molecular consequence: missense variant.
Genome position (GRCh38, 1-based): chr3:151,437,212, A>G on the plus strand (T>C on the coding strand, the complement: IGSF10 is on the minus strand). VCF-style: chr3-151437212-A-G. GRCh37 (hg19) VCF-style: chr3-151155000-A-G.
Other names: c.1286T>C, p.Leu429Pro (NM_001178145.3, NM_001178146.3); c.7349T>C, p.Leu2450Pro (NM_001385060.1, NM_001385061.1, NM_001385062.1 and 1 more transcripts); short protein forms L2450P, L429P.
Identifiers: ClinVar variation 5038469 (VCV005038469.1).